The following is an entry in ClinVar:

NM_000512.5(GALNS):c.1482+5G>A

Genes: GALNS (galactosamine (N-acetyl)-6-sulfatase; minus strand), LOC126862447 (CDK7 strongly-dependent group 2 enhancer GRCh37_chr16:88884193-88885392; plus strand). Cytogenetic location: 16q24.3.
Variant type: single nucleotide variant.
Coding change: c.1482+5G>A on transcript NM_000512.5 (MANE Select); 5 bases into the intron after coding-DNA position 1482, G replaced by A.
Molecular consequence: intron variant.
Genome position (GRCh38, 1-based): chr16:88,818,002, C>T on the plus strand (G>A on the coding strand, the complement: GALNS is on the minus strand). VCF-style: chr16-88818002-C-T. GRCh37 (hg19) VCF-style: chr16-88884410-C-T.
Other names: c.927+5G>A (NM_001323543.2); c.1500+5G>A (NM_001323544.2).
Identifiers: ClinVar variation 1048333 (VCV001048333.4), dbSNP rs2142982032, ClinGen allele CA2499223744.
Genomic context (GRCh38, chr16:88,818,002, plus strand): 5'-CTGGGCCCCGGGTGGGTGGCTGCAGCCCCGGCAAAGAGACGGCCGCCCACACACCAGCCA[C>T]TTACCATGACCGCCCAGTTGCACACGTTGAGCTGGGGCTGCGCGGGGACCAAGGCCTCCT-3'

ClinVar aggregate classification (germline): Uncertain significance. Review status: criteria provided, multiple submitters, no conflicts (2 of 4 stars). 2 submissions from 2 submitters: Uncertain significance (2). Last evaluated 2021-02-01.

Conditions:
Mucopolysaccharidosis, MPS-IV-A (MPS4A). Also called: Mucopolysaccharidosis type IV A; Mucopolysaccharidosis Type IVA; Morquio syndrome A, mild; MORQUIO SYNDROME A; MPS IVA; mucopolysaccharidosis type 4A. Identifiers: Orphanet 309297, Orphanet 582, MedGen C0086651, MONDO:0009659, OMIM 253000.

Allele frequency attached by ClinVar (database versions not stated): gnomAD exomes below 0.00001.
gnomAD v4.1: 2 of 1,578,074 alleles (0.00013%); highest among the groups gnomAD compares: Non-Finnish European, 0.00017%; no homozygotes.

Submissions (2):

Laboratory of Diagnosis and Therapy of Lysosomal Disorders, University of Padova
Classification: Uncertain significance for Mucopolysaccharidosis, MPS-IV-A. Last evaluated: 2021-02-01. Review status: criteria provided, single submitter. Criteria: ACMG Guidelines, 2015. Collection method: curation. Allele origin: germline. Affected: yes.
Comment: Absent from gnomAD v2.1.1 (PM2_moderate)

Neuberg Centre For Genomic Medicine, NCGM
Classification: Uncertain significance for Mucopolysaccharidosis, MPS-IV-A. Review status: criteria provided, single submitter. Criteria: ACMG Guidelines, 2015. Collection method: clinical testing. Allele origin: germline. Inheritance: Autosomal recessive inheritance. Affected: yes.
Comment: The observed splice region, intron variant c.1482+5G>A in GALNS gene has been reported previously in compound heterozygous state in two families with Morquio (Morquio-Brailsford) syndrome (Jezela-Stanek A, et al., 2019). The c.1482+5G>A variant is absent in gnomAD Exomes. This variant has been reported to the ClinVar database as Uncertain Significance. However study on multiple affected individuals and functional studies on the pathogenicity of the variant is unavailable. This variant is predicted to be Likely damaging by SpliceAI Prediction. For these reasons, this variant has been classified as Uncertain Significance.

Literature cited by the submitters: PubMed 30927141 (cited by Laboratory of Diagnosis and Therapy of Lysosomal Disorders, University of Padova); PubMed 34387910 (cited by Laboratory of Diagnosis and Therapy of Lysosomal Disorders, University of Padova).